The following is an entry in ClinVar:

NM_001271.4(CHD2):c.3420C>A (p.Ile1140=)

Gene: CHD2 (chromodomain helicase DNA binding protein 2; plus strand). Cytogenetic location: 15q26.1.
Variant type: single nucleotide variant.
Coding change: c.3420C>A on transcript NM_001271.4 (MANE Select); coding-DNA position 3420, C replaced by A.
Protein change: p.Ile1140=; no amino-acid change (isoleucine 1140 retained).
Molecular consequence: synonymous variant.
Genome position (GRCh38, 1-based): chr15:92,991,482, C>A. VCF-style: chr15-92991482-C-A. GRCh37 (hg19) VCF-style: chr15-93534712-C-A.
Identifiers: ClinVar variation 4085168 (VCV004085168.8).

ClinVar aggregate classification (germline): Uncertain significance (1 of 4 stars; one submission).

Submission:

CeGaT Center for Human Genetics Tuebingen
Classification: Uncertain significance. Last evaluated: 2025-06-01. Review status: criteria provided, single submitter. Criteria: CeGaT Center For Human Genetics Tuebingen Variant Classification Criteria Version 2. Collection method: clinical testing. Allele origin: germline. Affected: yes. Observed: 1 variant allele.
Comment: CHD2: PM2, BP4